The following is an entry in ClinVar:

NM_052947.4(ALPK2):c.3944A>G (p.Lys1315Arg)

Genes: ALPK2 (alpha kinase 2; minus strand), LOC126862764 (BRD4-independent group 4 enhancer GRCh37_chr18:56202574-56203773; plus strand). Cytogenetic location: 18q21.31.
Variant type: single nucleotide variant.
Coding change: c.3944A>G on transcript NM_052947.4 (MANE Select); coding-DNA position 3944, A replaced by G.
Protein change: p.Lys1315Arg; replaces lysine 1315 with arginine.
Molecular consequence: missense variant.
Genome position (GRCh38, 1-based): chr18:58,536,243, T>C on the plus strand (A>G on the coding strand, the complement: ALPK2 is on the minus strand). VCF-style: chr18-58536243-T-C. GRCh37 (hg19) VCF-style: chr18-56203475-T-C.
Other names: short protein forms K1315R.
Identifiers: ClinVar variation 1736371 (VCV001736371.2), dbSNP rs2051646660, ClinGen allele CA402565072.

ClinVar aggregate classification (germline): Uncertain significance (1 of 4 stars; one submission).

Allele frequency attached by ClinVar (database versions not stated): gnomAD exomes below 0.00001; gnomAD 0.00001.
gnomAD v4.1: 2 of 1,614,080 alleles (0.00012%); highest among the groups gnomAD compares: African/African-American, 0.0013%; no homozygotes.

Submission:

Ambry Genetics
Classification: Uncertain significance. Last evaluated: 2022-09-04. Review status: criteria provided, single submitter. Criteria: Ambry Variant Classification Scheme 2023. Collection method: clinical testing. Allele origin: germline.
Comment: The p.K1315R variant (also known as c.3944A>G), located in coding exon 4 of the ALPK2 gene, results from an A to G substitution at nucleotide position 3944. The lysine at codon 1315 is replaced by arginine, an amino acid with highly similar properties. This amino acid position is conserved. In addition, this alteration is predicted to be tolerated by in silico analysis. Since supporting evidence is limited at this time, the clinical significance of this alteration remains unclear.